The following is an entry in ClinVar:

ClinVar aggregate classification (germline): Conflicting classifications of pathogenicity. Review status: criteria provided, conflicting classifications (1 of 4 stars). 2 submissions from 2 submitters: Uncertain significance (1); Likely benign (1). Last evaluated 2025-11-05.

Allele frequency attached by ClinVar (database versions not stated): TOPMed 0.00012; gnomAD 0.00013; gnomAD exomes 0.00001; ExAC 0.00004; ESP Exome Variant Server 0.00008.
gnomAD v4.1: 30 of 1,612,438 alleles (0.0019%); highest among the groups gnomAD compares: African/African-American, 0.04%; no homozygotes.

Submissions (2):

Labcorp Genetics (formerly Invitae), Labcorp
Classification: Uncertain significance. Last evaluated: 2025-11-05. Review status: criteria provided, single submitter. Criteria: Invitae Variant Classification Sherloc (09022015). Collection method: clinical testing. Allele origin: germline.
Comment: This sequence change replaces glutamine, which is neutral and polar, with arginine, which is basic and polar, at codon 846 of the BUB1 protein (p.Gln846Arg). This variant is present in population databases (rs145104409, gnomAD 0.03%). This variant has not been reported in the literature in individuals affected with BUB1-related conditions. ClinVar contains an entry for this variant (Variation ID: 2397568). An algorithm developed to predict the effect of missense changes on protein structure and function outputs the following: PolyPhen-2: "Not Available". The arginine amino acid residue is found in multiple mammalian species, which suggests that this missense change does not adversely affect protein function. In summary, the available evidence is currently insufficient to determine the role of this variant in disease. Therefore, it has been classified as a Variant of Uncertain Significance.

Ambry Genetics
Classification: Likely benign. Last evaluated: 2022-11-08. Review status: criteria provided, single submitter. Criteria: Ambry Variant Classification Scheme 2023. Collection method: clinical testing. Allele origin: germline.

NM_004336.5(BUB1):c.2537A>G (p.Gln846Arg)

Gene: BUB1 (BUB1 mitotic checkpoint serine/threonine kinase; minus strand). Cytogenetic location: 2q13.
Variant type: single nucleotide variant.
Coding change: c.2537A>G on transcript NM_004336.5 (MANE Select); coding-DNA position 2537, A replaced by G.
Protein change: p.Gln846Arg; replaces glutamine 846 with arginine.
Molecular consequence: missense variant.
Genome position (GRCh38, 1-based): chr2:110,641,730, T>C on the plus strand (A>G on the coding strand, the complement: BUB1 is on the minus strand). VCF-style: chr2-110641730-T-C. GRCh37 (hg19) VCF-style: chr2-111399307-T-C.
Other names: c.2477A>G, p.Gln826Arg (NM_001278616.2); c.2537A>G, p.Gln846Arg (NM_001278617.2); short protein forms Q846R, Q826R.
Identifiers: ClinVar variation 2397568 (VCV002397568.4), dbSNP rs145104409, ClinGen allele CA1827758.